The following is an entry in ClinVar:

NM_001001331.4(ATP2B2):c.2298C>A (p.Ile766=)

Gene: ATP2B2 (ATPase plasma membrane Ca2+ transporting 2; minus strand). Cytogenetic location: 3p25.3.
Variant type: single nucleotide variant.
Coding change: c.2298C>A on transcript NM_001001331.4 (MANE Select); coding-DNA position 2298, C replaced by A.
Protein change: p.Ile766=; no amino-acid change (isoleucine 766 retained).
Molecular consequence: synonymous variant.
Genome position (GRCh38, 1-based): chr3:10,350,416, G>T on the plus strand (C>A on the coding strand, the complement: ATP2B2 is on the minus strand). VCF-style: chr3-10350416-G-T. GRCh37 (hg19) VCF-style: chr3-10392100-G-T.
Other names: c.2163C>A (NM_001683.3); c.2163C>A, p.Ile721= (NM_001330611.3, NM_001353564.1, NM_001363862.1 and 1 more transcripts).
Identifiers: ClinVar variation 2717720 (VCV002717720.4), dbSNP rs765543996, ClinGen allele CA2253451.

ClinVar aggregate classification (germline): Benign/Likely benign. Review status: criteria provided, multiple submitters, no conflicts (2 of 4 stars). 2 submissions from 2 submitters: Benign (1); Likely benign (1). Last evaluated 2026-07-22.

Conditions:
ATP2B2-related disorder. Also called: ATP2B2-related condition.

Allele frequency attached by ClinVar (database versions not stated): ExAC 0.00003; gnomAD 0.00004; TOPMed 0.00004.
gnomAD v4.1: 37 of 1,614,106 alleles (0.0023%); highest among the groups gnomAD compares: Non-Finnish European, 0.00017%; no homozygotes.

Submissions (2):

PreventionGenetics, part of Exact Sciences
Classification: Likely benign for ATP2B2-related condition. Last evaluated: 2026-07-22. Review status: criteria provided, single submitter. Criteria: ACMG Guidelines, 2015. Collection method: clinical testing. Allele origin: germline.
Comment: This variant is classified as likely benign based on ACMG/AMP sequence variant interpretation guidelines (Richards et al. 2015 PMID: 25741868, with internal and published modifications).

Labcorp Genetics (formerly Invitae), Labcorp
Classification: Benign. Last evaluated: 2024-01-17. Review status: criteria provided, single submitter. Criteria: Invitae Variant Classification Sherloc (09022015). Collection method: clinical testing. Allele origin: germline.